The following is an entry in ClinVar:

NM_177433.3(MAGED2):c.1272-9C>G

Gene: MAGED2 (MAGE family member D2; plus strand). Cytogenetic location: Xp11.21.
Variant type: single nucleotide variant.
Coding change: c.1272-9C>G on transcript NM_177433.3 (MANE Select); 9 bases into the intron before coding-DNA position 1272, C replaced by G.
Molecular consequence: intron variant.
Genome position (GRCh38, 1-based): chrX:54,814,652, C>G. VCF-style: chrX-54814652-C-G. GRCh37 (hg19) VCF-style: chrX-54841085-C-G.
Other names: c.1272-9C>G (NM_014599.6, NM_201222.3).
Identifiers: ClinVar variation 1976176 (VCV001976176.5), dbSNP rs760621944, ClinGen allele CA10426870.

ClinVar aggregate classification (germline): Uncertain significance (1 of 4 stars; one submission).

Allele frequency attached by ClinVar (database versions not stated): gnomAD 0.00001; ExAC 0.00002.
gnomAD v4.1: 3 of 1,139,242 alleles (0.00026%); highest among the groups gnomAD compares: Admixed American, 0.0066%; no homozygotes.

Submission:

Labcorp Genetics (formerly Invitae), Labcorp
Classification: Uncertain significance. Last evaluated: 2022-07-18. Review status: criteria provided, single submitter. Criteria: Invitae Variant Classification Sherloc (09022015). Collection method: clinical testing. Allele origin: germline.
Comment: This sequence change falls in intron 10 of the MAGED2 gene. It does not directly change the encoded amino acid sequence of the MAGED2 protein. This variant is present in population databases (rs760621944, gnomAD 0.008%). This variant has not been reported in the literature in individuals affected with MAGED2-related conditions. In summary, the available evidence is currently insufficient to determine the role of this variant in disease. Therefore, it has been classified as a Variant of Uncertain Significance.